The following is an entry in ClinVar:

NM_001252024.2(TRPM1):c.282T>C (p.Tyr94=)

Gene: TRPM1 (transient receptor potential cation channel subfamily M member 1; minus strand). Cytogenetic location: 15q13.3.
Variant type: single nucleotide variant.
Coding change: c.282T>C on transcript NM_001252024.2 (MANE Select); coding-DNA position 282, T replaced by C.
Protein change: p.Tyr94=; no amino-acid change (tyrosine 94 retained).
Molecular consequence: synonymous variant.
Genome position (GRCh38, 1-based): chr15:31,068,090, A>G on the plus strand (T>C on the coding strand, the complement: TRPM1 is on the minus strand). VCF-style: chr15-31068090-A-G. GRCh37 (hg19) VCF-style: chr15-31360293-A-G.
Other names: c.333T>C, p.Tyr111= (NM_001252020.2); c.216T>C, p.Tyr72= (NM_002420.6); c.333T>C (NM_001252020.1).
Identifiers: ClinVar variation 1103818 (VCV001103818.10), dbSNP rs372529012, ClinGen allele CA7452985.

ClinVar aggregate classification (germline): Likely benign. Review status: criteria provided, multiple submitters, no conflicts (2 of 4 stars). 4 submissions from 4 submitters: Likely benign (4). Last evaluated 2026-08-06.

Conditions:
TRPM1-related disorder. Also called: TRPM1-related condition.

Allele frequency attached by ClinVar (database versions not stated): gnomAD exomes 0.00003 and 0.00006; ExAC 0.00006; ESP Exome Variant Server 0.00008; TOPMed 0.00013; gnomAD 0.00015 and 0.00017.
gnomAD v4.1: 109 of 1,613,846 alleles (0.0068%); highest among the groups gnomAD compares: African/African-American, 0.089%; 3 homozygotes.

Submissions (4):

PreventionGenetics, part of Exact Sciences
Classification: Likely benign for TRPM1-related condition. Last evaluated: 2026-08-06. Review status: criteria provided, single submitter. Criteria: ACMG Guidelines, 2015. Collection method: clinical testing. Allele origin: germline.
Comment: This variant is classified as likely benign based on ACMG/AMP sequence variant interpretation guidelines (Richards et al. 2015 PMID: 25741868, with internal and published modifications).

Labcorp Genetics (formerly Invitae), Labcorp
Classification: Likely benign. Last evaluated: 2025-06-16. Review status: criteria provided, single submitter. Criteria: Invitae Variant Classification Sherloc (09022015). Collection method: clinical testing. Allele origin: germline.

Blueprint Genetics
Classification: Likely benign. Last evaluated: 2024-06-27. Review status: criteria provided, single submitter. Criteria: ACMG Guidelines, 2015. Collection method: clinical testing. Allele origin: germline.

Breakthrough Genomics
Classification: Likely benign. Review status: criteria provided, single submitter. Criteria: ACMG Guidelines, 2015. Collection method: not provided. Allele origin: germline. Inheritance: Unknown mechanism. Affected: yes.